The following is an entry in ClinVar:

NM_001375808.2(LPIN2):c.1924_1928del (p.Ser642fs)

Gene: LPIN2 (lipin 2; minus strand). Cytogenetic location: 18p11.31.
Variant type: Deletion.
Coding change: c.1924_1928del on transcript NM_001375808.2 (MANE Select); coding-DNA positions 1924 to 1928, 5 bases deleted (TCCTC; older notation c.1924_1928delTCCTC).
Protein change: p.Ser642fs; shifts the reading frame from serine 642.
Molecular consequence: frameshift variant.
Genome position (GRCh38, 1-based): chr18:2,925,234-2,925,238, GAGGA deleted on the plus strand (TCCTC on the coding strand, the reverse complement: LPIN2 is on the minus strand); deleting any 5 consecutive bases within chr18:2,925,234-2,925,242 gives the same sequence; the c. name uses the placement nearest the transcript's 3' end. VCF-style (leftmost placement, unchanged base first): chr18-2925233-TGAGGA-T. GRCh37 (hg19) VCF-style: chr18-2925231-TGAGGA-T.
Other names: c.1924_1928del, p.Ser642fs (NM_001375809.1, NM_014646.2); short protein forms S642fs.
Identifiers: ClinVar variation 856331 (VCV000856331.8), dbSNP rs2077113045, ClinGen allele CA916081211.

ClinVar aggregate classification (germline): Pathogenic (1 of 4 stars; one submission).

Conditions:
Majeed syndrome (MJDS). Also called: LPIN2-Related Majeed Syndrome; CHRONIC RECURRENT MULTIFOCAL OSTEOMYELITIS 1, WITH CONGENITAL DYSERYTHROPOIETIC ANEMIA, WITH OR WITHOUT NEUTROPHILIC DERMATOSIS. Identifiers: Orphanet 77297, MedGen C1864997, MONDO:0012316, OMIM 609628.

Submission:

Labcorp Genetics (formerly Invitae), Labcorp
Classification: Pathogenic for Majeed syndrome. Last evaluated: 2025-06-19. Review status: criteria provided, single submitter. Criteria: Invitae Variant Classification Sherloc (09022015). Collection method: clinical testing. Allele origin: germline.
Comment: This sequence change creates a premature translational stop signal (p.Ser642Argfs*14) in the LPIN2 gene. It is expected to result in an absent or disrupted protein product. Loss-of-function variants in LPIN2 are known to be pathogenic (PMID: 15994876, 23087183). This variant is not present in population databases (gnomAD no frequency). This variant has not been reported in the literature in individuals affected with LPIN2-related conditions. ClinVar contains an entry for this variant (Variation ID: 856331). For these reasons, this variant has been classified as Pathogenic.

Literature cited by the submitters: PubMed 15994876; PubMed 23087183.